The following is an entry in ClinVar:

ClinVar aggregate classification (germline): Uncertain significance. Review status: criteria provided, multiple submitters, no conflicts (2 of 4 stars). 2 submissions from 2 submitters: Uncertain significance (2). Last evaluated 2024-07-02.

gnomAD v4.1: 1 of 1,614,190 alleles (0.000062%); highest among the groups gnomAD compares: Non-Finnish European, 0.000085%; no homozygotes.

Submissions (2):

Blueprint Genetics
Classification: Uncertain significance. Last evaluated: 2024-07-02. Review status: criteria provided, single submitter. Criteria: ACMG Guidelines, 2015. Collection method: clinical testing. Allele origin: germline.

Labcorp Genetics (formerly Invitae), Labcorp
Classification: Uncertain significance. Last evaluated: 2022-07-11. Review status: criteria provided, single submitter. Criteria: Invitae Variant Classification Sherloc (09022015). Collection method: clinical testing. Allele origin: germline.
Comment: This sequence change replaces glycine, which is neutral and non-polar, with valine, which is neutral and non-polar, at codon 219 of the ABHD12 protein (p.Gly219Val). This variant is not present in population databases (gnomAD no frequency). This variant has not been reported in the literature in individuals affected with ABHD12-related conditions. ClinVar contains an entry for this variant (Variation ID: 1041122). Algorithms developed to predict the effect of missense changes on protein structure and function are either unavailable or do not agree on the potential impact of this missense change (SIFT: "Deleterious"; PolyPhen-2: "Possibly Damaging"; Align-GVGD: "Class C0"). In summary, the available evidence is currently insufficient to determine the role of this variant in disease. Therefore, it has been classified as a Variant of Uncertain Significance.

NM_001042472.3(ABHD12):c.656G>T (p.Gly219Val)

Genes: ABHD12 (abhydrolase domain containing 12, lysophospholipase; minus strand), LOC126863008 (CDK7 strongly-dependent group 2 enhancer GRCh37_chr20:25289826-25291025; plus strand). Cytogenetic location: 20p11.21.
Variant type: single nucleotide variant.
Coding change: c.656G>T on transcript NM_001042472.3 (MANE Select); coding-DNA position 656, G replaced by T.
Protein change: p.Gly219Val; replaces glycine 219 with valine.
Molecular consequence: missense variant.
Genome position (GRCh38, 1-based): chr20:25,309,539, C>A on the plus strand (G>T on the coding strand, the complement: ABHD12 is on the minus strand). VCF-style: chr20-25309539-C-A. GRCh37 (hg19) VCF-style: chr20-25290175-C-A.
Other names: c.656G>T, p.Gly219Val (NM_015600.5); short protein forms G219V.
Identifiers: ClinVar variation 1041122 (VCV001041122.10), dbSNP rs900106828, ClinGen allele CA313720832.
Genomic context (GRCh38, chr20:25,309,539, plus strand): 5'-GGGTTGTCACCACTTCTTGCTTTGATCCAGTCAAAAACGTGGAGTGCGTCATAGGTCATG[C>A]CCCGCTCAGATGGCGTTCCCACTGAGTCACCCCAACCTGGGAGGGAGAAACGGCAGGACG-3'
Protein context (NP_001035937.1, residues 209-229): GDSVGTPSER[Gly219Val]MTYDALHVFD